The following is an entry in ClinVar:

NM_002476.2(MYL4):c.136A>T (p.Ile46Leu)

Gene: MYL4 (myosin light chain 4; plus strand). Cytogenetic location: 17q21.32.
Variant type: single nucleotide variant.
Coding change: c.136A>T on transcript NM_002476.2 (MANE Select); coding-DNA position 136, A replaced by T.
Protein change: p.Ile46Leu; replaces isoleucine 46 with leucine.
Molecular consequence: missense variant.
Genome position (GRCh38, 1-based): chr17:47,213,799, A>T. VCF-style: chr17-47213799-A-T. GRCh37 (hg19) VCF-style: chr17-45291165-A-T.
Other names: c.136A>T, p.Ile46Leu (NM_001002841.2); c.136A>T (NM_001002841.1); short protein forms I46L.
Identifiers: ClinVar variation 1504023 (VCV001504023.9), dbSNP rs140603047, ClinGen allele CA400032042.

ClinVar aggregate classification (germline): Uncertain significance. Review status: criteria provided, multiple submitters, no conflicts (2 of 4 stars). 2 submissions from 2 submitters: Uncertain significance (2). Last evaluated 2025-08-30.

Conditions:
Atrial fibrillation, familial, 18 (ATFB18). Identifiers: MedGen C4310636, MONDO:0015001, OMIM 617280.

Submissions (2):

Ambry Genetics
Classification: Uncertain significance. Last evaluated: 2025-08-30. Review status: criteria provided, single submitter. Criteria: Ambry Variant Classification Scheme 2023. Collection method: clinical testing. Allele origin: germline.

Labcorp Genetics (formerly Invitae), Labcorp
Classification: Uncertain significance for Atrial fibrillation, familial, 18. Last evaluated: 2024-03-11. Review status: criteria provided, single submitter. Criteria: Invitae Variant Classification Sherloc (09022015). Collection method: clinical testing. Allele origin: germline.
Comment: This sequence change replaces isoleucine, which is neutral and non-polar, with leucine, which is neutral and non-polar, at codon 46 of the MYL4 protein (p.Ile46Leu). This variant is not present in population databases (gnomAD no frequency). This variant has not been reported in the literature in individuals affected with MYL4-related conditions. ClinVar contains an entry for this variant (Variation ID: 1504023). An algorithm developed to predict the effect of missense changes on protein structure and function (PolyPhen-2) suggests that this variant is likely to be tolerated. Algorithms developed to predict the effect of sequence changes on RNA splicing suggest that this variant may disrupt the consensus splice site. In summary, the available evidence is currently insufficient to determine the role of this variant in disease. Therefore, it has been classified as a Variant of Uncertain Significance.